The following is an entry in ClinVar:

NM_152383.5(DIS3L2):c.1921A>G (p.Asn641Asp)

Gene: DIS3L2 (DIS3 like 3'-5' exoribonuclease 2; plus strand). Cytogenetic location: 2q37.1.
Variant type: single nucleotide variant.
Coding change: c.1921A>G on transcript NM_152383.5 (MANE Select); coding-DNA position 1921, A replaced by G.
Protein change: p.Asn641Asp; replaces asparagine 641 with aspartic acid.
Molecular consequence: missense variant. On other transcripts: non-coding transcript variant (2), intron variant (1).
Genome position (GRCh38, 1-based): chr2:232,329,994, A>G. VCF-style: chr2-232329994-A-G. GRCh37 (hg19) VCF-style: chr2-233194704-A-G.
Other names: c.1582-13351A>G (NM_001257281.2); short protein forms N641D.
Identifiers: ClinVar variation 1000080 (VCV001000080.8), dbSNP rs1695689170, ClinGen allele CA350976303.

ClinVar aggregate classification (germline): Uncertain significance (1 of 4 stars; one submission).

Conditions:
Perlman syndrome (PRLMNS). Identifiers: Orphanet 2849, MedGen C0796113, MONDO:0009965, OMIM 267000.

Submission:

Labcorp Genetics (formerly Invitae), Labcorp
Classification: Uncertain significance for Perlman syndrome. Last evaluated: 2020-03-23. Review status: criteria provided, single submitter. Criteria: Invitae Variant Classification Sherloc (09022015). Collection method: clinical testing. Allele origin: germline.
Comment: This sequence change replaces asparagine with aspartic acid at codon 641 of the DIS3L2 protein (p.Asn641Asp). The asparagine residue is weakly conserved and there is a small physicochemical difference between asparagine and aspartic acid. This variant is not present in population databases (ExAC no frequency). This variant has not been reported in the literature in individuals with DIS3L2-related conditions. Algorithms developed to predict the effect of missense changes on protein structure and function (SIFT, PolyPhen-2, Align-GVGD) all suggest that this variant is likely to be tolerated, but these predictions have not been confirmed by published functional studies and their clinical significance is uncertain. In summary, the available evidence is currently insufficient to determine the role of this variant in disease. Therefore, it has been classified as a Variant of Uncertain Significance.